The following is an entry in ClinVar:

NM_198129.4(LAMA3):c.8283G>A (p.Ser2761=)

Gene: LAMA3 (laminin subunit alpha 3; plus strand). Cytogenetic location: 18q11.2.
Variant type: single nucleotide variant.
Coding change: c.8283G>A on transcript NM_198129.4 (MANE Select); coding-DNA position 8283, G replaced by A.
Protein change: p.Ser2761=; no amino-acid change (serine 2761 retained).
Molecular consequence: synonymous variant.
Genome position (GRCh38, 1-based): chr18:23,928,228, G>A. VCF-style: chr18-23928228-G-A. GRCh37 (hg19) VCF-style: chr18-21508192-G-A.
Other names: c.3456G>A, p.Ser1152= (NM_000227.6); c.8115G>A, p.Ser2705= (NM_001127717.4); c.3288G>A, p.Ser1096= (NM_001127718.4).
Identifiers: ClinVar variation 326332 (VCV000326332.17), dbSNP rs146634036, ClinGen allele CA8916883.

ClinVar aggregate classification (germline): Conflicting classifications of pathogenicity. Review status: criteria provided, conflicting classifications (1 of 4 stars). 4 submissions from 3 submitters: Uncertain significance (2); Likely benign (1). 1 of the submissions does not count toward it. Last evaluated 2026-01-09.

Conditions:
LAMA3-related disorder. Also called: LAMA3-related condition; LAMA3-related disorders.
Laryngo-onycho-cutaneous syndrome (JEB2C). Also called: LOGIC SYNDROME; EPIDERMOLYSIS BULLOSA, JUNCTIONAL 2C, LARYNGOONYCHOCUTANEOUS; SHABBIR SYNDROME. Identifiers: Orphanet 2407, MedGen C1328355, MONDO:0009513, OMIM 245660.
Junctional epidermolysis bullosa gravis of Herlitz. Also called: EPIDERMOLYSIS BULLOSA JUNCTIONALIS, HERLITZ TYPE; EPIDERMOLYSIS BULLOSA, JUNCTIONAL, HERLITZ-PEARSON TYPE; JEB-HERLITZ TYPE; Epidermolysis Bullosa Letalis; Herlitz-type junctional epidermolysis bullosa; EPIDERMOLYSIS BULLOSA, JUNCTIONAL 1B, SEVERE. Identifiers: Orphanet 79404, MedGen C0079683, MONDO:0009182, OMIM 226700.

Allele frequency attached by ClinVar (database versions not stated): gnomAD exomes 0.00007 and 0.00011; ExAC 0.00009; ESP Exome Variant Server 0.00031; gnomAD 0.00039 and 0.00044; TOPMed 0.00074; 1000 Genomes Project 0.00140; 1000 Genomes Project 30x 0.00172.
gnomAD v4.1: 180 of 1,600,260 alleles (0.011%); highest among the groups gnomAD compares: African/African-American, 0.12%; 2 homozygotes.

Submissions (4):

Labcorp Genetics (formerly Invitae), Labcorp
Classification: Likely benign. Last evaluated: 2026-01-09. Review status: criteria provided, single submitter. Criteria: Invitae Variant Classification Sherloc (09022015). Collection method: clinical testing. Allele origin: germline.

Illumina Laboratory Services, Illumina
Classification: Uncertain significance for Laryngo-onycho-cutaneous syndrome. Last evaluated: 2018-01-13. Review status: criteria provided, single submitter. Criteria: ICSL Variant Classification Criteria 13 December 2019. Collection method: clinical testing. Allele origin: germline.

Illumina Laboratory Services, Illumina
Classification: Uncertain significance for Junctional epidermolysis bullosa gravis of Herlitz. Last evaluated: 2018-01-13. Review status: criteria provided, single submitter. Criteria: ICSL Variant Classification Criteria 13 December 2019. Collection method: clinical testing. Allele origin: germline.

PreventionGenetics, part of Exact Sciences
Classification: Likely benign for LAMA3-related condition. Last evaluated: 2024-02-01. Review status: no assertion criteria provided. Collection method: clinical testing. Allele origin: germline. Not counted in ClinVar's aggregate classification.
Comment: This variant is classified as likely benign based on ACMG/AMP sequence variant interpretation guidelines (Richards et al. 2015 PMID: 25741868, with internal and published modifications).